The following is an entry in ClinVar:

ClinVar aggregate classification (germline): Uncertain significance. Review status: criteria provided, multiple submitters, no conflicts (2 of 4 stars). 2 submissions from 2 submitters: Uncertain significance (2). Last evaluated 2025-06-10.

Conditions:
Inborn genetic diseases. Identifiers: MedGen C0950123, MeSH D030342.
Multiple congenital exostosis (EXT). Also called: Multiple osteochondromas; Hereditary multiple osteochondromas; MULTIPLE CARTILAGINOUS EXOSTOSES; Multiple exostoses; Hereditary multiple exostoses; Hereditary multiple exostosis. Identifiers: Orphanet 321, MedGen C0015306, MONDO:0005508, HP:0002762.

Allele frequency attached by ClinVar (database versions not stated): gnomAD exomes below 0.00001; ExAC 0.00001; TOPMed 0.00002.
gnomAD v4.1: 2 of 1,613,978 alleles (0.00012%); highest among the groups gnomAD compares: East Asian, 0.0045%; no homozygotes.

Submissions (2):

Ambry Genetics
Classification: Uncertain significance for Inborn genetic diseases. Last evaluated: 2025-06-10. Review status: criteria provided, single submitter. Criteria: Ambry Variant Classification Scheme 2023. Collection method: clinical testing. Allele origin: germline.

Labcorp Genetics (formerly Invitae), Labcorp
Classification: Uncertain significance for Multiple congenital exostosis. Last evaluated: 2022-11-10. Review status: criteria provided, single submitter. Criteria: Invitae Variant Classification Sherloc (09022015). Collection method: clinical testing. Allele origin: germline.
Comment: This sequence change replaces threonine, which is neutral and polar, with serine, which is neutral and polar, at codon 317 of the EXT1 protein (p.Thr317Ser). This variant is present in population databases (rs748945641, gnomAD 0.01%). This variant has not been reported in the literature in individuals affected with EXT1-related conditions. ClinVar contains an entry for this variant (Variation ID: 1003445). Advanced modeling of protein sequence and biophysical properties (such as structural, functional, and spatial information, amino acid conservation, physicochemical variation, residue mobility, and thermodynamic stability) performed at Invitae indicates that this missense variant is not expected to disrupt EXT1 protein function. In summary, the available evidence is currently insufficient to determine the role of this variant in disease. Therefore, it has been classified as a Variant of Uncertain Significance.

NM_000127.3(EXT1):c.950C>G (p.Thr317Ser)

Gene: EXT1 (exostosin glycosyltransferase 1; minus strand). Cytogenetic location: 8q24.11.
Variant type: single nucleotide variant.
Coding change: c.950C>G on transcript NM_000127.3 (MANE Select); coding-DNA position 950, C replaced by G.
Protein change: p.Thr317Ser; replaces threonine 317 with serine.
Molecular consequence: missense variant.
Genome position (GRCh38, 1-based): chr8:118,110,097, G>C on the plus strand (C>G on the coding strand, the complement: EXT1 is on the minus strand). VCF-style: chr8-118110097-G-C. GRCh37 (hg19) VCF-style: chr8-119122336-G-C.
Other names: c.950C>G (NM_000127.2); short protein forms T317S.
Identifiers: ClinVar variation 1003445 (VCV001003445.9), dbSNP rs748945641, ClinGen allele CA4854299.